The following is an entry in ClinVar:

ClinVar aggregate classification (germline): Conflicting classifications of pathogenicity. Review status: criteria provided, conflicting classifications (1 of 4 stars). 3 submissions from 3 submitters: Uncertain significance (2); Likely benign (1). Last evaluated 2024-07-06.

Conditions:
Inborn genetic diseases. Identifiers: MedGen C0950123, MeSH D030342.

Allele frequency attached by ClinVar (database versions not stated): gnomAD 0.00004 and 0.00006; ExAC 0.00005; TOPMed 0.00006; 1000 Genomes Project 30x 0.00031; 1000 Genomes Project 0.00040.
gnomAD v4.1: 58 of 1,614,080 alleles (0.0036%); highest among the groups gnomAD compares: East Asian, 0.074%; no homozygotes.

Submissions (3):

Labcorp Genetics (formerly Invitae), Labcorp
Classification: Uncertain significance. Last evaluated: 2024-07-06. Review status: criteria provided, single submitter. Criteria: Invitae Variant Classification Sherloc (09022015). Collection method: clinical testing. Allele origin: germline.
Comment: This sequence change replaces lysine, which is basic and polar, with asparagine, which is neutral and polar, at codon 1043 of the CEP135 protein (p.Lys1043Asn). This variant is present in population databases (rs201480537, gnomAD 0.1%). This variant has not been reported in the literature in individuals affected with CEP135-related conditions. ClinVar contains an entry for this variant (Variation ID: 1307568). An algorithm developed to predict the effect of missense changes on protein structure and function (PolyPhen-2) suggests that this variant is likely to be disruptive. In summary, the available evidence is currently insufficient to determine the role of this variant in disease. Therefore, it has been classified as a Variant of Uncertain Significance.

Ambry Genetics
Classification: Likely benign for Inborn genetic diseases. Last evaluated: 2023-06-29. Review status: criteria provided, single submitter. Criteria: Ambry Variant Classification Scheme 2023. Collection method: clinical testing. Allele origin: germline.

GeneDx
Classification: Uncertain significance. Last evaluated: 2019-03-11. Review status: criteria provided, single submitter. Criteria: GeneDx Variant Classification Process June 2021. Collection method: clinical testing. Allele origin: germline. Affected: yes.
Comment: In silico analysis, which includes protein predictors and evolutionary conservation, supports a deleterious effect; Has not been previously published as pathogenic or benign to our knowledge

NM_025009.5(CEP135):c.3129A>C (p.Lys1043Asn)

Gene: CEP135 (centrosomal protein 135; plus strand). Cytogenetic location: 4q12.
Variant type: single nucleotide variant.
Coding change: c.3129A>C on transcript NM_025009.5 (MANE Select); coding-DNA position 3129, A replaced by C.
Protein change: p.Lys1043Asn; replaces lysine 1043 with asparagine.
Molecular consequence: missense variant.
Genome position (GRCh38, 1-based): chr4:56,019,469, A>C. VCF-style: chr4-56019469-A-C. GRCh37 (hg19) VCF-style: chr4-56885635-A-C.
Other names: c.3129A>C (NM_025009.3); short protein forms K1043N.
Identifiers: ClinVar variation 1307568 (VCV001307568.6), dbSNP rs201480537, ClinGen allele CA2928337.